The following is an entry in ClinVar:

NM_002024.6(FMR1):c.38G>A (p.Gly13Asp)

Genes: FMR1 (fragile X messenger ribonucleoprotein 1; plus strand), LOC107032825 (origin of replication in 5' region of FMR1; plus strand). Cytogenetic location: Xq27.3.
Variant type: single nucleotide variant.
Coding change: c.38G>A on transcript NM_002024.6 (MANE Select); coding-DNA position 38, G replaced by A.
Protein change: p.Gly13Asp; replaces glycine 13 with aspartic acid.
Molecular consequence: missense variant. On other transcripts: non-coding transcript variant (2).
Genome position (GRCh38, 1-based): chrX:147,912,217, G>A. VCF-style: chrX-147912217-G-A. GRCh37 (hg19) VCF-style: chrX-146993735-G-A.
Other names: c.38G>A, p.Gly13Asp (NM_001185081.2, NM_001185082.2, NM_001185075.2 and 1 more transcripts); short protein forms G13D.
Identifiers: ClinVar variation 3336325 (VCV003336325.2).

ClinVar aggregate classification (germline): Uncertain significance. Review status: criteria provided, multiple submitters, no conflicts (2 of 4 stars). 2 submissions from 2 submitters: Uncertain significance (2). Last evaluated 2026-04-20.

Conditions:
Inborn genetic diseases. Identifiers: MedGen C0950123, MeSH D030342.

Submissions (2):

Ambry Genetics
Classification: Uncertain significance for Inborn genetic diseases. Last evaluated: 2026-04-20. Review status: criteria provided, single submitter. Criteria: Ambry Variant Classification Scheme 2023. Collection method: clinical testing. Allele origin: germline.

Women's Health and Genetics/Laboratory Corporation of America, LabCorp
Classification: Uncertain significance. Last evaluated: 2024-05-28. Review status: criteria provided, single submitter. Criteria: LabCorp Variant Classification Summary - May 2015. Collection method: clinical testing. Allele origin: germline.
Comment: Variant summary: FMR1 c.38G>A (p.Gly13Asp) results in a non-conservative amino acid change located in the FMR1, tudor domain (IPR041560) of the encoded protein sequence. Five of five in-silico tools predict a damaging effect of the variant on protein function. The variant was absent in 112557 control chromosomes (gnomAD). The available data on variant occurrences in the general population are insufficient to allow any conclusion about variant significance. To our knowledge, no occurrence of c.38G>A in individuals affected with Fragile X Syndrome and no experimental evidence demonstrating its impact on protein function have been reported. No submitters have cited clinical-significance assessments for this variant to ClinVar. Based on the evidence outlined above, the variant was classified as uncertain significance.